The following is an entry in ClinVar:

NM_002336.3(LRP6):c.3806G>A (p.Arg1269Gln)

Gene: LRP6 (LDL receptor related protein 6; minus strand). Cytogenetic location: 12p13.2.
Variant type: single nucleotide variant.
Coding change: c.3806G>A on transcript NM_002336.3 (MANE Select); coding-DNA position 3806, G replaced by A.
Protein change: p.Arg1269Gln; replaces arginine 1269 with glutamine.
Molecular consequence: missense variant. On other transcripts: intron variant (2), non-coding transcript variant (1).
Genome position (GRCh38, 1-based): chr12:12,131,985, C>T on the plus strand (G>A on the coding strand, the complement: LRP6 is on the minus strand). VCF-style: chr12-12131985-C-T. GRCh37 (hg19) VCF-style: chr12-12284919-C-T.
Other names: c.3899G>A, p.Arg1300Gln (NM_001414244.1); c.3806G>A, p.Arg1269Gln (NM_001414245.1, NM_001414248.1, NM_001414249.1 and 1 more transcripts); c.3608-1092G>A (NM_001414251.1); c.3734-63G>A (NM_001414246.1); c.3608G>A, p.Arg1203Gln (NM_001414247.1); c.3353G>A, p.Arg1118Gln (NM_001414252.1, NM_001414253.1, NM_001414254.1); c.3299G>A, p.Arg1100Gln (NM_001414255.1); short protein forms R1100Q, R1118Q, R1203Q, R1269Q, R1300Q.
Identifiers: ClinVar variation 2914783 (VCV002914783.3), dbSNP rs758458844, ClinGen allele CA6455105.

ClinVar aggregate classification (germline): Uncertain significance (1 of 4 stars; one submission).

Allele frequency attached by ClinVar (database versions not stated): TOPMed 0.00001; gnomAD 0.00003; gnomAD exomes 0.00004; ExAC 0.00005.
gnomAD v4.1: 72 of 1,613,936 alleles (0.0045%); highest among the groups gnomAD compares: South Asian, 0.057%; no homozygotes.

Submission:

Labcorp Genetics (formerly Invitae), Labcorp
Classification: Uncertain significance. Last evaluated: 2024-12-20. Review status: criteria provided, single submitter. Criteria: Invitae Variant Classification Sherloc (09022015). Collection method: clinical testing. Allele origin: germline.
Comment: This sequence change replaces arginine, which is basic and polar, with glutamine, which is neutral and polar, at codon 1269 of the LRP6 protein (p.Arg1269Gln). This variant is present in population databases (rs758458844, gnomAD 0.05%), and has an allele count higher than expected for a pathogenic variant. This variant has not been reported in the literature in individuals affected with LRP6-related conditions. ClinVar contains an entry for this variant (Variation ID: 2914783). Invitae Evidence Modeling of protein sequence and biophysical properties (such as structural, functional, and spatial information, amino acid conservation, physicochemical variation, residue mobility, and thermodynamic stability) indicates that this missense variant is not expected to disrupt LRP6 protein function with a negative predictive value of 80%. In summary, the available evidence is currently insufficient to determine the role of this variant in disease. Therefore, it has been classified as a Variant of Uncertain Significance.